The following is an entry in ClinVar:

NM_017882.3(CLN6):c.403C>G (p.His135Asp)

Gene: CLN6 (CLN6 transmembrane ER protein; minus strand). Cytogenetic location: 15q23.
Variant type: single nucleotide variant.
Coding change: c.403C>G on transcript NM_017882.3 (MANE Select); coding-DNA position 403, C replaced by G.
Protein change: p.His135Asp; replaces histidine 135 with aspartic acid.
Molecular consequence: missense variant.
Genome position (GRCh38, 1-based): chr15:68,211,758, G>C on the plus strand (C>G on the coding strand, the complement: CLN6 is on the minus strand). VCF-style: chr15-68211758-G-C. GRCh37 (hg19) VCF-style: chr15-68504096-G-C.
Other names: c.499C>G, p.His167Asp (NM_001411068.1); short protein forms H135D, H167D.
Identifiers: ClinVar variation 2044597 (VCV002044597.4), dbSNP rs1449019695, ClinGen allele CA392973480.
Genomic context (GRCh38, chr15:68,211,758, plus strand): 5'-TGATGATGGGGTTCTCACGGACAGACAGGTGGTGCTGGTAGCCACTGAAGAGCAGGCGGT[G>C]GTTGACAGAGTCACCCACCAGGTGGATGCTGGCACCCATGATGAAGATGATGATGCTCAC-3'
Protein context (NP_060352.1, residues 125-145): SIHLVGDSVN[His135Asp]RLLFSGYQHH

ClinVar aggregate classification (germline): Uncertain significance (1 of 4 stars; one submission).

Conditions:
Neuronal ceroid lipofuscinosis. Also called: Neuronal Ceroid Lipofuscinoses. Identifiers: Orphanet 216, Orphanet 79263, MedGen C0027877, MONDO:0016295. Disease mechanism: loss of function.

gnomAD v4.1: 2 of 1,613,834 alleles (0.00012%); highest among the groups gnomAD compares: Non-Finnish European, 0.00017%; no homozygotes.

Submission:

Labcorp Genetics (formerly Invitae), Labcorp
Classification: Uncertain significance for Neuronal ceroid lipofuscinosis. Last evaluated: 2022-03-04. Review status: criteria provided, single submitter. Criteria: Invitae Variant Classification Sherloc (09022015). Collection method: clinical testing. Allele origin: germline.
Comment: This sequence change replaces histidine, which is basic and polar, with aspartic acid, which is acidic and polar, at codon 135 of the CLN6 protein (p.His135Asp). This variant is present in population databases (no rsID available, gnomAD no frequency). This missense change has been observed in individual(s) with clinical features of CLN6-related conditions (PMID: 30561534). Algorithms developed to predict the effect of missense changes on protein structure and function (SIFT, PolyPhen-2, Align-GVGD) all suggest that this variant is likely to be disruptive. In summary, the available evidence is currently insufficient to determine the role of this variant in disease. Therefore, it has been classified as a Variant of Uncertain Significance.

Literature cited by the submitters: PubMed 30561534.